The following is an entry in ClinVar:

ClinVar aggregate classification (germline): Uncertain significance (1 of 4 stars; one submission).

Conditions:
Focal segmental glomerulosclerosis 5 (FSGS5). Identifiers: Orphanet 656, MedGen C2750475, MONDO:0013191, OMIM 613237.
Charcot-Marie-Tooth disease dominant intermediate E. Also called: CHARCOT-MARIE-TOOTH NEUROPATHY WITH FOCAL SEGMENTAL GLOMERULONEPHRITIS. Identifiers: Orphanet 93114, MedGen C4302667, MONDO:0013758, OMIM 614455.

gnomAD v4.1: 9 of 1,553,128 alleles (0.00058%); highest among the groups gnomAD compares: African/African-American, 0.0055%; no homozygotes.

Submission:

Labcorp Genetics (formerly Invitae), Labcorp
Classification: Uncertain significance for Charcot-Marie-Tooth disease dominant intermediate E; Focal segmental glomerulosclerosis 5. Last evaluated: 2024-09-19. Review status: criteria provided, single submitter. Criteria: Invitae Variant Classification Sherloc (09022015). Collection method: clinical testing. Allele origin: germline.
Comment: This sequence change replaces methionine, which is neutral and non-polar, with valine, which is neutral and non-polar, at codon 733 of the INF2 protein (p.Met733Val). This variant is present in population databases (no rsID available, gnomAD 0.006%). This variant has not been reported in the literature in individuals affected with INF2-related conditions. Invitae Evidence Modeling of protein sequence and biophysical properties (such as structural, functional, and spatial information, amino acid conservation, physicochemical variation, residue mobility, and thermodynamic stability) indicates that this missense variant is not expected to disrupt INF2 protein function with a negative predictive value of 95%. In summary, the available evidence is currently insufficient to determine the role of this variant in disease. Therefore, it has been classified as a Variant of Uncertain Significance.

NM_022489.4(INF2):c.2197A>G (p.Met733Val)

Gene: INF2 (inverted formin 2; plus strand). Cytogenetic location: 14q32.33.
Variant type: single nucleotide variant.
Coding change: c.2197A>G on transcript NM_022489.4 (MANE Select); coding-DNA position 2197, A replaced by G.
Protein change: p.Met733Val; replaces methionine 733 with valine.
Molecular consequence: missense variant. On other transcripts: non-coding transcript variant (1).
Genome position (GRCh38, 1-based): chr14:104,710,146, A>G. VCF-style: chr14-104710146-A-G. GRCh37 (hg19) VCF-style: chr14-105176483-A-G.
Other names: c.2197A>G, p.Met733Val (NM_001031714.4, NM_001426862.1, NM_001426863.1 and 2 more transcripts); short protein forms M733V.
Identifiers: ClinVar variation 3761236 (VCV003761236.2).